The following is an entry in ClinVar:

ClinVar aggregate classification (germline): Uncertain significance (1 of 4 stars; one submission).

Submission:

Labcorp Genetics (formerly Invitae), Labcorp
Classification: Uncertain significance. Last evaluated: 2023-08-05. Review status: criteria provided, single submitter. Criteria: Invitae Variant Classification Sherloc (09022015). Collection method: clinical testing. Allele origin: germline.
Comment: This sequence change replaces leucine, which is neutral and non-polar, with phenylalanine, which is neutral and non-polar, at codon 756 of the INTU protein (p.Leu756Phe). This variant is not present in population databases (gnomAD no frequency). This variant has not been reported in the literature in individuals affected with INTU-related conditions. Advanced modeling of protein sequence and biophysical properties (such as structural, functional, and spatial information, amino acid conservation, physicochemical variation, residue mobility, and thermodynamic stability) performed at Invitae indicates that this missense variant is not expected to disrupt INTU protein function. In summary, the available evidence is currently insufficient to determine the role of this variant in disease. Therefore, it has been classified as a Variant of Uncertain Significance.

NM_015693.4(INTU):c.2266C>T (p.Leu756Phe)

Gene: INTU (inturned planar cell polarity protein; plus strand). Cytogenetic location: 4q28.1.
Variant type: single nucleotide variant.
Coding change: c.2266C>T on transcript NM_015693.4 (MANE Select); coding-DNA position 2266, C replaced by T.
Protein change: p.Leu756Phe; replaces leucine 756 with phenylalanine.
Molecular consequence: missense variant.
Genome position (GRCh38, 1-based): chr4:127,706,964, C>T. VCF-style: chr4-127706964-C-T. GRCh37 (hg19) VCF-style: chr4-128628119-C-T.
Other names: short protein forms L756F.
Identifiers: ClinVar variation 2749580 (VCV002749580.3), dbSNP rs2531030809, ClinGen allele CA358139741.
Genomic context (GRCh38, chr4:127,706,964, plus strand): 5'-GCAGTACGGAAGCAAAGAGAATCTCAGGGCTCTGATGGTTTAGAAGAAAGTGGGACCTTG[C>T]TTAAGGTGTGTGCTTATTCAAGTGTGTATGTTCTGGGAGCTAAGTTGTCTCTCCAGTCCT-3'
Protein context (NP_056508.2, residues 746-766): SDGLEESGTL[Leu756Phe]KVTKKKSTLP